The following is an entry in ClinVar:

NM_001394062.1(MACF1):c.15617A>C (p.Asn5206Thr)

Gene: MACF1 (microtubule actin crosslinking factor 1; plus strand). Cytogenetic location: 1p34.3.
Variant type: single nucleotide variant.
Coding change: c.15617A>C on transcript NM_001394062.1 (MANE Select); coding-DNA position 15617, A replaced by C.
Protein change: p.Asn5206Thr; replaces asparagine 5206 with threonine.
Molecular consequence: missense variant.
Genome position (GRCh38, 1-based): chr1:39,388,459, A>C. VCF-style: chr1-39388459-A-C. GRCh37 (hg19) VCF-style: chr1-39854131-A-C.
Other names: c.9431A>C, p.Asn3144Thr (NM_012090.5); short protein forms N3144T, N5206T.
Identifiers: ClinVar variation 2397949 (VCV002397949.6), dbSNP rs529016471, ClinGen allele CA782423.

ClinVar aggregate classification (germline): Conflicting classifications of pathogenicity. Review status: criteria provided, conflicting classifications (1 of 4 stars). 3 submissions from 3 submitters: Uncertain significance (2); Likely benign (1). Last evaluated 2025-01-20.

Conditions:
Inborn genetic diseases. Identifiers: MedGen C0950123, MeSH D030342.

Allele frequency attached by ClinVar (database versions not stated): gnomAD exomes 0.00001; ExAC 0.00002; TOPMed 0.00006; gnomAD 0.00008; 1000 Genomes Project 30x 0.00016; 1000 Genomes Project 0.00020.
gnomAD v4.1: 26 of 1,614,176 alleles (0.0016%); highest among the groups gnomAD compares: Admixed American, 0.043%; no homozygotes.

Submissions (3):

Labcorp Genetics (formerly Invitae), Labcorp
Classification: Uncertain significance. Last evaluated: 2025-01-20. Review status: criteria provided, single submitter. Criteria: Invitae Variant Classification Sherloc (09022015). Collection method: clinical testing. Allele origin: germline.
Comment: This sequence change replaces asparagine, which is neutral and polar, with threonine, which is neutral and polar, at codon 3144 of the MACF1 protein (p.Asn3144Thr). This variant is present in population databases (rs529016471, gnomAD 0.01%). This variant has not been reported in the literature in individuals affected with MACF1-related conditions. ClinVar contains an entry for this variant (Variation ID: 2397949). An algorithm developed to predict the effect of missense changes on protein structure and function (PolyPhen-2) suggests that this variant is likely to be tolerated. In summary, the available evidence is currently insufficient to determine the role of this variant in disease. Therefore, it has been classified as a Variant of Uncertain Significance.

GeneDx
Classification: Uncertain significance. Last evaluated: 2023-01-13. Review status: criteria provided, single submitter. Criteria: GeneDx Variant Classification Process June 2021. Collection method: clinical testing. Allele origin: germline. Affected: yes.
Comment: Observed with another missesne variant in a patient with Sjgren's syndrome, but it is not known whether the variants occurred on the same (in cis) or on different (in trans) chromosomes (Johar et al., 2015); In silico analysis supports that this missense variant has a deleterious effect on protein structure/function; This variant is associated with the following publications: (PMID: 26031516)

Ambry Genetics
Classification: Likely benign for Inborn genetic diseases. Last evaluated: 2022-11-09. Review status: criteria provided, single submitter. Criteria: Ambry Variant Classification Scheme 2023. Collection method: clinical testing. Allele origin: germline.